The following is an entry in ClinVar:

NM_005560.6(LAMA5):c.3230C>T (p.Thr1077Met)

Gene: LAMA5 (laminin subunit alpha 5; minus strand). Cytogenetic location: 20q13.33.
Variant type: single nucleotide variant.
Coding change: c.3230C>T on transcript NM_005560.6 (MANE Select); coding-DNA position 3230, C replaced by T.
Protein change: p.Thr1077Met; replaces threonine 1077 with methionine.
Molecular consequence: missense variant.
Genome position (GRCh38, 1-based): chr20:62,333,142, G>A on the plus strand (C>T on the coding strand, the complement: LAMA5 is on the minus strand). VCF-style: chr20-62333142-G-A. GRCh37 (hg19) VCF-style: chr20-60908198-G-A.
Other names: short protein forms T1077M.
Identifiers: ClinVar variation 3353604 (VCV003353604.1).

ClinVar aggregate classification (germline): Uncertain significance (0 of 4 stars; one submission).

Conditions:
LAMA5-related disorder. Also called: LAMA5-related condition; LAMA5-Related Disorders.

gnomAD v4.1: 395 of 1,507,184 alleles (0.026%); highest among the groups gnomAD compares: Non-Finnish European, 0.034%; no homozygotes.

Submission:

PreventionGenetics, part of Exact Sciences
Classification: Uncertain significance for LAMA5-related condition. Last evaluated: 2024-05-11. Review status: no assertion criteria provided. Collection method: clinical testing. Allele origin: germline.
Comment: The LAMA5 c.3230C>T variant is predicted to result in the amino acid substitution p.Thr1077Met. To our knowledge, this variant has not been reported in the literature. This variant is reported in 0.020% of alleles in individuals of European (Non-Finnish) descent in gnomAD. At this time, the clinical significance of this variant is uncertain due to the absence of conclusive functional and genetic evidence.